The following is an entry in ClinVar:

ClinVar aggregate classification (germline): Likely benign (1 of 4 stars; one submission).

gnomAD v4.1: 7,057 of 1,605,700 alleles (0.44%); highest among the groups gnomAD compares: Non-Finnish European, 0.54%; 74 homozygotes.

Submission:

CeGaT Center for Human Genetics Tuebingen
Classification: Likely benign. Last evaluated: 2026-09-01. Review status: criteria provided, single submitter. Criteria: CeGaT Center For Human Genetics Tuebingen Variant Classification Criteria Version 2. Collection method: clinical testing. Allele origin: germline. Affected: yes. Observed: 1 variant allele.
Comment: NBPF10: BS2

NM_001302371.3(NBPF10):c.1978T>C (p.Phe660Leu)

Gene: NBPF10 (NBPF member 10; minus strand). Cytogenetic location: 1q21.1.
Variant type: single nucleotide variant.
Coding change: c.1978T>C on transcript NM_001302371.3 (MANE Select); coding-DNA position 1978, T replaced by C.
Protein change: p.Phe660Leu; replaces phenylalanine 660 with leucine.
Molecular consequence: missense variant.
Genome position (GRCh38, 1-based): chr1:146,126,284, A>G on the plus strand (T>C on the coding strand, the complement: NBPF10 is on the minus strand). VCF-style: chr1-146126284-A-G. GRCh37 (hg19) VCF-style: chr1-145311910-T-C.
Other names: c.1978T>C, p.Phe660Leu (NM_001039703.6); short protein forms F660L.
Identifiers: ClinVar variation 5038530 (VCV005038530.1).